The following is an entry in ClinVar:

ClinVar aggregate classification (germline): Conflicting classifications of pathogenicity. Review status: criteria provided, conflicting classifications (1 of 4 stars). 2 submissions from 2 submitters: Uncertain significance (1); Likely benign (1). Last evaluated 2024-12-14.

Conditions:
Hereditary cancer-predisposing syndrome. Also called: Neoplastic Syndromes, Hereditary; Hereditary Cancer Syndrome; Tumor predisposition; Hereditary neoplastic syndrome. Identifiers: Orphanet 140162, MedGen C0027672, MeSH D009386, MONDO:0015356.

Submissions (2):

Ambry Genetics
Classification: Likely benign for Hereditary cancer-predisposing syndrome. Last evaluated: 2024-12-14. Review status: criteria provided, single submitter. Criteria: Ambry Variant Classification Scheme 2023. Collection method: clinical testing. Allele origin: germline.

Women's Health and Genetics/Laboratory Corporation of America, LabCorp
Classification: Uncertain significance. Last evaluated: 2019-11-29. Review status: criteria provided, single submitter. Criteria: LabCorp Variant Classification Summary - May 2015. Collection method: clinical testing. Allele origin: germline.
Comment: Variant summary: ATM c.2337G>A (p.Met779Ile) results in a conservative amino acid change in the encoded protein sequence. Five of five in-silico tools predict a benign effect of the variant on protein function. The variant was absent in 251360 control chromosomes. The available data on variant occurrences in the general population are insufficient to allow any conclusion about variant significance. To our knowledge, no occurrence of c.2337G>A in individuals affected with Breast Cancer and no experimental evidence demonstrating its impact on protein function have been reported. No clinical diagnostic laboratories have submitted clinical-significance assessments for this variant to ClinVar after 2014. Based on the evidence outlined above, the variant was classified as uncertain significance.

NM_000051.4(ATM):c.2337G>A (p.Met779Ile)

Gene: ATM (ATM serine/threonine kinase; plus strand). Cytogenetic location: 11q22.3.
Variant type: single nucleotide variant.
Coding change: c.2337G>A on transcript NM_000051.4 (MANE Select); coding-DNA position 2337, G replaced by A.
Protein change: p.Met779Ile; replaces methionine 779 with isoleucine.
Molecular consequence: missense variant.
Genome position (GRCh38, 1-based): chr11:108,257,567, G>A. VCF-style: chr11-108257567-G-A. GRCh37 (hg19) VCF-style: chr11-108128294-G-A.
Other names: c.2337G>A, p.Met779Ile (NM_001351834.2); short protein forms M779I.
Identifiers: ClinVar variation 928492 (VCV000928492.4), dbSNP rs1227866298, ClinGen allele CA382540114.